The following is an entry in ClinVar:

NM_024408.4(NOTCH2):c.6142G>C (p.Asp2048His)

Gene: NOTCH2 (notch receptor 2; minus strand). Cytogenetic location: 1p12.
Variant type: single nucleotide variant.
Coding change: c.6142G>C on transcript NM_024408.4 (MANE Select); coding-DNA position 6142, G replaced by C.
Protein change: p.Asp2048His; replaces aspartic acid 2048 with histidine.
Molecular consequence: missense variant.
Genome position (GRCh38, 1-based): chr1:119,916,580, C>G on the plus strand (G>C on the coding strand, the complement: NOTCH2 is on the minus strand). VCF-style: chr1-119916580-C-G. GRCh37 (hg19) VCF-style: chr1-120459203-C-G.
Other names: short protein forms D2048H.
Identifiers: ClinVar variation 4978861 (VCV004978861.1).

ClinVar aggregate classification (germline): Uncertain significance (1 of 4 stars; one submission).

Conditions:
NOTCH2-related disorder. Also called: NOTCH2-related condition.

gnomAD v4.1: 1 of 1,614,156 alleles (0.000062%); no homozygotes.

Submission:

PreventionGenetics, part of Exact Sciences
Classification: Uncertain significance for NOTCH2-related condition. Last evaluated: 2026-04-09. Review status: criteria provided, single submitter. Criteria: ACMG Guidelines, 2015. Collection method: clinical testing. Allele origin: germline.
Comment: The NOTCH2 c.6142G>C variant is predicted to result in the amino acid substitution p.Asp2048His. To our knowledge, this variant has not been reported in the literature or in a large population database (gnomAD), indicating this variant is rare. At this time, the clinical significance of this variant is uncertain due to the absence of conclusive functional and genetic evidence.